The following is an entry in ClinVar:

NM_000026.4(ADSL):c.1101+6_1101+8del

Gene: ADSL (adenylosuccinate lyase; plus strand). Cytogenetic location: 22q13.1.
Variant type: Microsatellite.
Coding change: c.1101+6_1101+8del on transcript NM_000026.4 (MANE Select); bases 6 to 8 of the intron after coding-DNA position 1101, 3 bases deleted (AAG; older notation c.1101+6_1101+8delAAG).
Molecular consequence: intron variant.
Genome position (GRCh38, 1-based): chr22:40,363,077-40,363,079, AAG deleted; deleting any 3 consecutive bases within chr22:40,363,074-40,363,079 gives the same sequence; the c. name uses the placement nearest the transcript's 3' end. VCF-style (leftmost placement, unchanged base first): chr22-40363073-TAAG-T. GRCh37 (hg19) VCF-style: chr22-40759077-TAAG-T.
Other names: c.1101+6_1101+8del (NM_001363840.3, NM_001123378.3); c.909+6_909+8del (NM_001317923.2).
Identifiers: ClinVar variation 1056398 (VCV001056398.7), dbSNP rs2146668021, ClinGen allele CA2580615316.

ClinVar aggregate classification (germline): Uncertain significance (1 of 4 stars; one submission).

Conditions:
Adenylosuccinate lyase deficiency (ADSLD). Also called: ADSL DEFICIENCY. Identifiers: Orphanet 46, MedGen C0268126, MONDO:0007068, OMIM 103050.

Submission:

Labcorp Genetics (formerly Invitae), Labcorp
Classification: Uncertain significance for Adenylosuccinate lyase deficiency. Last evaluated: 2022-06-18. Review status: criteria provided, single submitter. Criteria: Invitae Variant Classification Sherloc (09022015). Collection method: clinical testing. Allele origin: germline.
Comment: In summary, the available evidence is currently insufficient to determine the role of this variant in disease. Therefore, it has been classified as a Variant of Uncertain Significance. Variants that disrupt the consensus splice site are a relatively common cause of aberrant splicing (PMID: 17576681, 9536098). Algorithms developed to predict the effect of sequence changes on RNA splicing suggest that this variant may disrupt the consensus splice site. This variant has not been reported in the literature in individuals affected with ADSL-related conditions. This variant is not present in population databases (gnomAD no frequency). This sequence change falls in intron 10 of the ADSL gene. It does not directly change the encoded amino acid sequence of the ADSL protein. It affects a nucleotide within the consensus splice site.

Literature cited by the submitters: PubMed 17576681; PubMed 9536098.